The following is an entry in ClinVar:

NM_013275.6(ANKRD11):c.6790C>G (p.Pro2264Ala)

Gene: ANKRD11 (ankyrin repeat domain 11; minus strand). Cytogenetic location: 16q24.3.
Variant type: single nucleotide variant.
Coding change: c.6790C>G on transcript NM_013275.6 (MANE Select); coding-DNA position 6790, C replaced by G.
Protein change: p.Pro2264Ala; replaces proline 2264 with alanine.
Molecular consequence: missense variant.
Genome position (GRCh38, 1-based): chr16:89,279,752, G>C on the plus strand (C>G on the coding strand, the complement: ANKRD11 is on the minus strand). VCF-style: chr16-89279752-G-C. GRCh37 (hg19) VCF-style: chr16-89346160-G-C.
Other names: c.6790C>G, p.Pro2264Ala (NM_001256182.2, NM_001256183.2); short protein forms P2264A.
Identifiers: ClinVar variation 2716485 (VCV002716485.3), dbSNP rs532695477, ClinGen allele CA286509780.
Genomic context (GRCh38, chr16:89,279,752, plus strand): 5'-CCTGAGCTTGTGCCACAGTGTTCGGGGCGGGGCCGTCAGGGGCACAGAGGGACGCGGCGG[G>C]GGGGCCTTCAGCCTCAGCCCCCTGGTCTCCGCTCCCCAGTGGGCGCTGTTCTGGGGGAAC-3'
Protein context (NP_037407.4, residues 2254-2274): GDQGAEAEGP[Pro2264Ala]AASLCAPDGP

ClinVar aggregate classification (germline): Uncertain significance (1 of 4 stars; one submission).

Conditions:
KBG syndrome (KBGS). Also called: ANKRD11-Related KBG Syndrome. Identifiers: Orphanet 2332, MedGen C0220687, MONDO:0007846, OMIM 148050.

gnomAD v4.1: 5 of 1,525,244 alleles (0.00033%); highest among the groups gnomAD compares: Middle Eastern, 0.02%; no homozygotes.

Submission:

Labcorp Genetics (formerly Invitae), Labcorp
Classification: Uncertain significance for KBG syndrome. Last evaluated: 2023-04-01. Review status: criteria provided, single submitter. Criteria: Invitae Variant Classification Sherloc (09022015). Collection method: clinical testing. Allele origin: germline.
Comment: Advanced modeling of protein sequence and biophysical properties (such as structural, functional, and spatial information, amino acid conservation, physicochemical variation, residue mobility, and thermodynamic stability) performed at Invitae indicates that this missense variant is not expected to disrupt ANKRD11 protein function. This variant has not been reported in the literature in individuals affected with ANKRD11-related conditions. This variant is present in population databases (no rsID available, gnomAD 0.004%). This sequence change replaces proline, which is neutral and non-polar, with alanine, which is neutral and non-polar, at codon 2264 of the ANKRD11 protein (p.Pro2264Ala). In summary, the available evidence is currently insufficient to determine the role of this variant in disease. Therefore, it has been classified as a Variant of Uncertain Significance.